The following is an entry in ClinVar:

ClinVar aggregate classification (germline): Uncertain significance. Review status: criteria provided, single submitter (1 of 4 stars). 2 submissions from 2 submitters: Uncertain significance (1). 1 of the submissions does not count toward it. Last evaluated 2024-04-17.

Conditions:
ERBB4-related disorder. Also called: ERBB4-related condition.

Allele frequency attached by ClinVar (database versions not stated): ExAC 0.00002; TOPMed 0.00003; gnomAD 0.00004; 1000 Genomes Project 0.00040; 1000 Genomes Project 30x 0.00047.

Submissions (2):

Labcorp Genetics (formerly Invitae), Labcorp
Classification: Uncertain significance. Last evaluated: 2024-04-17. Review status: criteria provided, single submitter. Criteria: Invitae Variant Classification Sherloc (09022015). Collection method: clinical testing. Allele origin: germline.
Comment: This sequence change replaces histidine, which is basic and polar, with tyrosine, which is neutral and polar, at codon 295 of the ERBB4 protein (p.His295Tyr). This variant is present in population databases (rs74898139, gnomAD 0.01%). This variant has not been reported in the literature in individuals affected with ERBB4-related conditions. ClinVar contains an entry for this variant (Variation ID: 1905728). An algorithm developed to predict the effect of missense changes on protein structure and function (PolyPhen-2) suggests that this variant is likely to be tolerated. In summary, the available evidence is currently insufficient to determine the role of this variant in disease. Therefore, it has been classified as a Variant of Uncertain Significance.

PreventionGenetics, part of Exact Sciences
Classification: Uncertain significance for ERBB4-related condition. Last evaluated: 2024-01-11. Review status: no assertion criteria provided. Collection method: clinical testing. Allele origin: germline. Not counted in ClinVar's aggregate classification.
Comment: The ERBB4 c.883C>T variant is predicted to result in the amino acid substitution p.His295Tyr. To our knowledge, this variant has not been reported in the literature. This variant is reported in 0.012% of alleles in individuals of African descent in gnomAD. Although we suspect that this variant may be benign, at this time, the clinical significance of this variant is uncertain due to the absence of conclusive functional and genetic evidence.

NM_005235.3(ERBB4):c.883C>T (p.His295Tyr)

Gene: ERBB4 (erb-b2 receptor tyrosine kinase 4; minus strand). Cytogenetic location: 2q34.
Variant type: single nucleotide variant.
Coding change: c.883C>T on transcript NM_005235.3 (MANE Select); coding-DNA position 883, C replaced by T.
Protein change: p.His295Tyr; replaces histidine 295 with tyrosine.
Molecular consequence: missense variant.
Genome position (GRCh38, 1-based): chr2:211,722,393, G>A on the plus strand (C>T on the coding strand, the complement: ERBB4 is on the minus strand). VCF-style: chr2-211722393-G-A. GRCh37 (hg19) VCF-style: chr2-212587118-G-A.
Other names: c.883C>T, p.His295Tyr (NM_001042599.2); short protein forms H295Y.
Identifiers: ClinVar variation 1905728 (VCV001905728.7), dbSNP rs74898139, ClinGen allele CA2088317.